The following is an entry in ClinVar:

ClinVar aggregate classification (germline): Uncertain significance (1 of 4 stars; one submission).

Submission:

Labcorp Genetics (formerly Invitae), Labcorp
Classification: Uncertain significance. Last evaluated: 2022-11-22. Review status: criteria provided, single submitter. Criteria: Invitae Variant Classification Sherloc (09022015). Collection method: clinical testing. Allele origin: germline.
Comment: In summary, the available evidence is currently insufficient to determine the role of this variant in disease. Therefore, it has been classified as a Variant of Uncertain Significance. Algorithms developed to predict the effect of missense changes on protein structure and function are either unavailable or do not agree on the potential impact of this missense change (SIFT: "Not Available"; PolyPhen-2: "Benign"; Align-GVGD: "Not Available"). This variant has not been reported in the literature in individuals affected with DLL1-related conditions. Information on the frequency of this variant in the gnomAD database is not available, as this variant may be reported differently in the database. This sequence change replaces alanine, which is neutral and non-polar, with leucine, which is neutral and non-polar, at codon 10 of the DLL1 protein (p.Ala10Leu).

NM_005618.4(DLL1):c.28_29delinsTT (p.Ala10Leu)

Gene: DLL1 (delta like canonical Notch ligand 1; minus strand). Cytogenetic location: 6q27.
Variant type: Indel.
Coding change: c.28_29delinsTT on transcript NM_005618.4 (MANE Select); coding-DNA positions 28 to 29, GC replaced by TT.
Protein change: p.Ala10Leu; replaces alanine 10 with leucine.
Molecular consequence: missense variant.
Genome position (GRCh38, 1-based): chr6:170,290,111-170,290,112, GC replaced by AA on the plus strand (GC replaced by TT on the coding strand, the reverse complement: DLL1 is on the minus strand). VCF-style: chr6-170290111-GC-AA. GRCh37 (hg19) VCF-style: chr6-170599199-GC-AA.
Other names: short protein forms A10L.
Identifiers: ClinVar variation 2116568 (VCV002116568.4), dbSNP rs2483365249, ClinGen allele CA2580075333.
Genomic context (GRCh38, chr6:170,290,111, plus strand): 5'-CCGCGGGGCCGCGGCGCCCCCACCTGCCCGCCTACCTGACACAGCAAGGCCGAGAGCACC[GC>AA]CAGGGCCAGCGCGCACCGACTGCCCATGCTGCTTCGCTCCACGCGCGAGCCTGGGGGGCC-3'
Protein context (NP_005609.3, residues 1-20): MGSRCALAL[Ala10Leu]VLSALLCQVW